The following is an entry in ClinVar:

ClinVar aggregate classification (germline): Uncertain significance (1 of 4 stars; one submission).

Allele frequency attached by ClinVar (database versions not stated): gnomAD exomes below 0.00001; TOPMed below 0.00001.
gnomAD v4.1: 1 of 1,614,006 alleles (0.000062%); highest among the groups gnomAD compares: Non-Finnish European, 0.000085%; no homozygotes.

Submission:

GeneDx
Classification: Uncertain significance. Last evaluated: 2019-05-20. Review status: criteria provided, single submitter. Criteria: GeneDx Variant Classification Process June 2021. Collection method: clinical testing. Allele origin: germline. Affected: yes.
Comment: Not observed in large population cohorts (Lek et al., 2016); In silico analysis, which includes protein predictors and evolutionary conservation, supports that this variant does not alter protein structure/function; Has not been previously published as pathogenic or benign to our knowledge

NM_022124.6(CDH23):c.9244C>G (p.Leu3082Val)

Gene: CDH23 (cadherin related 23; plus strand). Cytogenetic location: 10q22.1.
Variant type: single nucleotide variant.
Coding change: c.9244C>G on transcript NM_022124.6 (MANE Select); coding-DNA position 9244, C replaced by G.
Protein change: p.Leu3082Val; replaces leucine 3082 with valine.
Molecular consequence: missense variant.
Genome position (GRCh38, 1-based): chr10:71,811,556, C>G. VCF-style: chr10-71811556-C-G. GRCh37 (hg19) VCF-style: chr10-73571313-C-G.
Other names: c.2524C>G, p.Leu842Val (NM_001171933.1, NM_001171934.1); short protein forms L3082V, L842V.
Identifiers: ClinVar variation 1302169 (VCV001302169.2), dbSNP rs1841925944, ClinGen allele CA377135325.